The following is an entry in ClinVar:

ClinVar aggregate classification (germline): Uncertain significance. Review status: criteria provided, multiple submitters, no conflicts (2 of 4 stars). 2 submissions from 2 submitters: Uncertain significance (2). Last evaluated 2024-04-24.

Allele frequency attached by ClinVar (database versions not stated): gnomAD 0.00001; TOPMed 0.00001.

Submissions (2):

Ambry Genetics
Classification: Uncertain significance. Last evaluated: 2024-04-24. Review status: criteria provided, single submitter. Criteria: Ambry Variant Classification Scheme 2023. Collection method: clinical testing. Allele origin: germline.

Labcorp Genetics (formerly Invitae), Labcorp
Classification: Uncertain significance. Last evaluated: 2018-11-28. Review status: criteria provided, single submitter. Criteria: Invitae Variant Classification Sherloc (09022015). Collection method: clinical testing. Allele origin: germline.
Comment: This sequence change replaces arginine with threonine at codon 117 of the KPNA7 protein (p.Arg117Thr). The arginine residue is moderately conserved and there is a moderate physicochemical difference between arginine and threonine. This variant is not present in population databases (ExAC no frequency). This variant has not been reported in the literature in individuals with KPNA7-related conditions. Algorithms developed to predict the effect of missense changes on protein structure and function are either unavailable or do not agree on the potential impact of this missense change (SIFT: "Tolerated"; PolyPhen-2: "Possibly Damaging"; Align-GVGD: "Class C0"). In summary, the available evidence is currently insufficient to determine the role of this variant in disease. Therefore, it has been classified as a Variant of Uncertain Significance.

NM_001145715.3(KPNA7):c.350G>C (p.Arg117Thr)

Gene: KPNA7 (karyopherin subunit alpha 7; minus strand). Cytogenetic location: 7q22.1.
Variant type: single nucleotide variant.
Coding change: c.350G>C on transcript NM_001145715.3 (MANE Select); coding-DNA position 350, G replaced by C.
Protein change: p.Arg117Thr; replaces arginine 117 with threonine.
Molecular consequence: missense variant.
Genome position (GRCh38, 1-based): chr7:99,195,273, C>G on the plus strand (G>C on the coding strand, the complement: KPNA7 is on the minus strand). VCF-style: chr7-99195273-C-G. GRCh37 (hg19) VCF-style: chr7-98792896-C-G.
Other names: short protein forms R117T.
Identifiers: ClinVar variation 652280 (VCV000652280.2), dbSNP rs1409076920, ClinGen allele CA368420749.